The following is an entry in ClinVar:

NM_001609.4(ACADSB):c.1014C>T (p.His338=)

Gene: ACADSB (acyl-CoA dehydrogenase short/branched chain; plus strand). Cytogenetic location: 10q26.13.
Variant type: single nucleotide variant.
Coding change: c.1014C>T on transcript NM_001609.4 (MANE Select); coding-DNA position 1014, C replaced by T.
Protein change: p.His338=; no amino-acid change (histidine 338 retained).
Molecular consequence: synonymous variant.
Genome position (GRCh38, 1-based): chr10:123,051,072, C>T. VCF-style: chr10-123051072-C-T. GRCh37 (hg19) VCF-style: chr10-124810588-C-T.
Other names: c.708C>T, p.His236= (NM_001330174.3).
Identifiers: ClinVar variation 536348 (VCV000536348.16), dbSNP rs57339164, ClinGen allele CA5730896.

ClinVar aggregate classification (germline): Benign. Review status: criteria provided, multiple submitters, no conflicts (2 of 4 stars). 3 submissions from 3 submitters: Benign (3). Last evaluated 2026-01-13.

Conditions:
Deficiency of 2-methylbutyryl-CoA dehydrogenase (ACADSB). Also called: 2-methylbutyrylglycinuria; 2-methylbutyryl-CoA dehydrogenase deficiency; SBCAD deficiency; 2-methylbutyric aciduria; Short branched-chain acyl-CoA dehydrogenase deficiency. Identifiers: Orphanet 79157, MedGen C1864912, MONDO:0012392, OMIM 610006, HP:0020147.

Allele frequency attached by ClinVar (database versions not stated): ESP Exome Variant Server 0.00115; gnomAD 0.00125; TOPMed 0.00164; 1000 Genomes Project 30x 0.00281; 1000 Genomes Project 0.00319.
gnomAD v4.1: 532 of 1,612,024 alleles (0.033%); highest among the groups gnomAD compares: African/African-American, 0.4%; no homozygotes.

Submissions (3):

Labcorp Genetics (formerly Invitae), Labcorp
Classification: Benign for Deficiency of 2-methylbutyryl-CoA dehydrogenase. Last evaluated: 2026-01-13. Review status: criteria provided, single submitter. Criteria: Invitae Variant Classification Sherloc (09022015). Collection method: clinical testing. Allele origin: germline.

Illumina Laboratory Services, Illumina
Classification: Benign for Deficiency of 2-methylbutyryl-CoA dehydrogenase. Last evaluated: 2017-04-27. Review status: criteria provided, single submitter. Criteria: ICSL Variant Classification Criteria 13 December 2019. Collection method: clinical testing. Allele origin: germline.
Comment: This variant was observed as part of a predisposition screen in an ostensibly healthy population. A literature search was performed for the gene, cDNA change, and amino acid change (where applicable). No publications were found based on this search. Allele frequency data from public databases was too high to be consistent with this variant causing disease. Therefore, this variant is classified as benign.

Breakthrough Genomics
Classification: Benign. Review status: criteria provided, single submitter. Criteria: ACMG Guidelines, 2015. Collection method: not provided. Allele origin: germline. Inheritance: Autosomal recessive inheritance. Affected: yes.